The following is an entry in ClinVar:

NM_015072.5(TTLL5):c.1288C>G (p.Arg430Gly)

Gene: TTLL5 (tubulin tyrosine ligase like 5; plus strand). Cytogenetic location: 14q24.3.
Variant type: single nucleotide variant.
Coding change: c.1288C>G on transcript NM_015072.5 (MANE Select); coding-DNA position 1288, C replaced by G.
Protein change: p.Arg430Gly; replaces arginine 430 with glycine.
Molecular consequence: missense variant.
Genome position (GRCh38, 1-based): chr14:75,745,101, C>G. VCF-style: chr14-75745101-C-G. GRCh37 (hg19) VCF-style: chr14-76211444-C-G.
Other names: short protein forms R430G.
Identifiers: ClinVar variation 1434017 (VCV001434017.5), dbSNP rs766847101, ClinGen allele CA7279337.
Genomic context (GRCh38, chr14:75,745,101, plus strand): 5'-GAGTAATGAAAACTTAAAAAATTTTTTTTACTATTTTCATTTTCTTCTCCTTAGCGTTGC[C>G]GTCCACTCTCTGCCAGTGATGCGGAAATGAAAAACCTCGTGGGCTCAGCCCGGGAGAAAG-3'
Protein context (NP_055887.3, residues 420-440): RNPFQKPQRC[Arg430Gly]PLSASDAEMK

ClinVar aggregate classification (germline): Uncertain significance (1 of 4 stars; one submission).

gnomAD v4.1: 16 of 1,613,512 alleles (0.00099%); highest among the groups gnomAD compares: Admixed American, 0.025%; no homozygotes.

Submission:

Labcorp Genetics (formerly Invitae), Labcorp
Classification: Uncertain significance. Last evaluated: 2021-09-16. Review status: criteria provided, single submitter. Criteria: Invitae Variant Classification Sherloc (09022015). Collection method: clinical testing. Allele origin: germline.
Comment: In summary, the available evidence is currently insufficient to determine the role of this variant in disease. Therefore, it has been classified as a Variant of Uncertain Significance. Algorithms developed to predict the effect of missense changes on protein structure and function are either unavailable or do not agree on the potential impact of this missense change (SIFT: "Deleterious"; PolyPhen-2: "Benign"; Align-GVGD: "Class C0"). This variant has not been reported in the literature in individuals affected with TTLL5-related conditions. This variant is present in population databases (rs766847101, ExAC 0.03%). This sequence change replaces arginine with glycine at codon 430 of the TTLL5 protein (p.Arg430Gly). The arginine residue is highly conserved and there is a moderate physicochemical difference between arginine and glycine.